The following is an entry in ClinVar:

NM_001127208.3(TET2):c.611C>A (p.Ala204Glu)

Genes: TET2 (tet methylcytosine dioxygenase 2; plus strand), TET2-AS1 (TET2 antisense RNA 1; minus strand). Cytogenetic location: 4q24.
Variant type: single nucleotide variant.
Coding change: c.611C>A on transcript NM_001127208.3 (MANE Select); coding-DNA position 611, C replaced by A.
Protein change: p.Ala204Glu; replaces alanine 204 with glutamic acid.
Molecular consequence: missense variant.
Genome position (GRCh38, 1-based): chr4:105,234,553, C>A. VCF-style: chr4-105234553-C-A. GRCh37 (hg19) VCF-style: chr4-106155710-C-A.
Other names: c.611C>A, p.Ala204Glu (NM_017628.4); short protein forms A204E.
Identifiers: ClinVar variation 3967518 (VCV003967518.1).

ClinVar aggregate classification (germline): Uncertain significance (1 of 4 stars; one submission).

Submission:

Ambry Genetics
Classification: Uncertain significance. Last evaluated: 2025-04-01. Review status: criteria provided, single submitter. Criteria: Ambry Variant Classification Scheme 2023. Collection method: clinical testing. Allele origin: germline.
Comment: The p.A204E variant (also known as c.611C>A), located in coding exon 1 of the TET2 gene, results from a C to A substitution at nucleotide position 611. The alanine at codon 204 is replaced by glutamic acid, an amino acid with dissimilar properties. This amino acid position is conserved. In addition, this alteration is predicted to be tolerated by in silico analysis. Based on the available evidence, the clinical significance of this variant remains unclear.